The following is an entry in ClinVar:

NM_001077350.3(NPRL3):c.566C>A (p.Ser189Tyr)

Genes: HBA-LCR (alpha-globin locus control region; plus strand), NPRL3 (NPR3 like, GATOR1 complex subunit; minus strand). Cytogenetic location: 16p13.3.
Variant type: single nucleotide variant.
Coding change: c.566C>A on transcript NM_001077350.3 (MANE Select); coding-DNA position 566, C replaced by A.
Protein change: p.Ser189Tyr; replaces serine 189 with tyrosine.
Molecular consequence: missense variant.
Genome position (GRCh38, 1-based): chr16:110,588, G>T on the plus strand (C>A on the coding strand, the complement: NPRL3 is on the minus strand). VCF-style: chr16-110588-G-T. GRCh37 (hg19) VCF-style: chr16-160586-G-T.
Other names: c.29C>A, p.Ser10Tyr (NM_001039476.3); c.332C>A, p.Ser111Tyr (NM_001243247.2); c.491C>A, p.Ser164Tyr (NM_001243248.2, NM_001243249.2); short protein forms S10Y, S111Y, S164Y, S189Y.
Identifiers: ClinVar variation 1925354 (VCV001925354.5), dbSNP rs1899760830, ClinGen allele CA393992915.

ClinVar aggregate classification (germline): Uncertain significance (1 of 4 stars; one submission).

Conditions:
Epilepsy, familial focal, with variable foci 3 (FFEVF3). Identifiers: MedGen C4310708, MONDO:0014925, OMIM 617118.

Submission:

Labcorp Genetics (formerly Invitae), Labcorp
Classification: Uncertain significance for Epilepsy, familial focal, with variable foci 3. Last evaluated: 2024-10-24. Review status: criteria provided, single submitter. Criteria: Invitae Variant Classification Sherloc (09022015). Collection method: clinical testing. Allele origin: germline.
Comment: This sequence change replaces serine, which is neutral and polar, with tyrosine, which is neutral and polar, at codon 189 of the NPRL3 protein (p.Ser189Tyr). This variant is not present in population databases (gnomAD no frequency). This variant has not been reported in the literature in individuals affected with NPRL3-related conditions. ClinVar contains an entry for this variant (Variation ID: 1925354). Invitae Evidence Modeling of protein sequence and biophysical properties (such as structural, functional, and spatial information, amino acid conservation, physicochemical variation, residue mobility, and thermodynamic stability) has been performed for this missense variant. However, the output from this modeling did not meet the statistical confidence thresholds required to predict the impact of this variant on NPRL3 protein function. In summary, the available evidence is currently insufficient to determine the role of this variant in disease. Therefore, it has been classified as a Variant of Uncertain Significance.